The following is an entry in ClinVar:

ClinVar aggregate classification (germline): Uncertain significance. Review status: criteria provided, multiple submitters, no conflicts (2 of 4 stars). 2 submissions from 2 submitters: Uncertain significance (2). Last evaluated 2026-07-06.

Conditions:
Hereditary cancer-predisposing syndrome. Also called: Tumor predisposition; Hereditary neoplastic syndrome; Neoplastic Syndromes, Hereditary; Hereditary Cancer Syndrome. Identifiers: Orphanet 140162, MedGen C0027672, MeSH D009386, MONDO:0015356.
Gorlin syndrome. Also called: Basal cell nevus syndrome; Nevoid Basal Cell Carcinoma Syndrome. Identifiers: Orphanet 377, MedGen C0004779, MONDO:0007187.

Submissions (2):

Ambry Genetics
Classification: Uncertain significance for Hereditary cancer-predisposing syndrome. Last evaluated: 2026-07-06. Review status: criteria provided, single submitter. Criteria: Ambry Variant Classification Scheme 2023. Collection method: clinical testing. Allele origin: germline.
Comment: The p.S344R variant (also known as c.1030A>C), located in coding exon 9 of the PTCH1 gene, results from an A to C substitution at nucleotide position 1030. The serine at codon 344 is replaced by arginine, an amino acid with dissimilar properties. This amino acid position is conserved. In addition, the in silico prediction for this alteration is inconclusive. Based on the available evidence, the clinical significance of this variant remains unclear.

Labcorp Genetics (formerly Invitae), Labcorp
Classification: Uncertain significance for Gorlin syndrome. Last evaluated: 2024-10-30. Review status: criteria provided, single submitter. Criteria: Invitae Variant Classification Sherloc (09022015). Collection method: clinical testing. Allele origin: germline.
Comment: This sequence change replaces serine, which is neutral and polar, with arginine, which is basic and polar, at codon 410 of the PTCH1 protein (p.Ser410Arg). This variant is not present in population databases (gnomAD no frequency). This variant has not been reported in the literature in individuals affected with PTCH1-related conditions. ClinVar contains an entry for this variant (Variation ID: 1718858). Invitae Evidence Modeling of protein sequence and biophysical properties (such as structural, functional, and spatial information, amino acid conservation, physicochemical variation, residue mobility, and thermodynamic stability) has been performed for this missense variant. However, the output from this modeling did not meet the statistical confidence thresholds required to predict the impact of this variant on PTCH1 protein function. In summary, the available evidence is currently insufficient to determine the role of this variant in disease. Therefore, it has been classified as a Variant of Uncertain Significance.

NM_000264.5(PTCH1):c.1228A>C (p.Ser410Arg)

Gene: PTCH1 (patched 1; minus strand). Cytogenetic location: 9q22.32.
Variant type: single nucleotide variant.
Coding change: c.1228A>C on transcript NM_000264.5 (MANE Select); coding-DNA position 1228, A replaced by C.
Protein change: p.Ser410Arg; replaces serine 410 with arginine.
Molecular consequence: missense variant. On other transcripts: non-coding transcript variant (1).
Genome position (GRCh38, 1-based): chr9:95,478,174, T>G on the plus strand (A>C on the coding strand, the complement: PTCH1 is on the minus strand). VCF-style: chr9-95478174-T-G. GRCh37 (hg19) VCF-style: chr9-98240456-T-G.
Other names: c.1030A>C, p.Ser344Arg (NM_001083602.3); c.1225A>C, p.Ser409Arg (NM_001083603.3); c.775A>C, p.Ser259Arg (NM_001083604.3, NM_001083605.3, NM_001083606.3 and 1 more transcripts); c.1228A>C, p.Ser410Arg (NM_001354918.2); short protein forms S259R, S344R, S409R, S410R.
Identifiers: ClinVar variation 1718858 (VCV001718858.6), dbSNP rs2118339194, ClinGen allele CA374118969.